The following is an entry in ClinVar:

NM_201384.3(PLEC):c.3787G>A (p.Glu1263Lys)

Gene: PLEC (plectin; minus strand). Cytogenetic location: 8q24.3.
Variant type: single nucleotide variant.
Coding change: c.3787G>A on transcript NM_201384.3 (MANE Select); coding-DNA position 3787, G replaced by A.
Protein change: p.Glu1263Lys; replaces glutamic acid 1263 with lysine.
Molecular consequence: missense variant.
Genome position (GRCh38, 1-based): chr8:143,927,305, C>T on the plus strand (G>A on the coding strand, the complement: PLEC is on the minus strand). VCF-style: chr8-143927305-C-T. GRCh37 (hg19) VCF-style: chr8-145001473-C-T.
Other names: c.3868G>A, p.Glu1290Lys (NM_000445.5); c.3745G>A, p.Glu1249Lys (NM_201378.4); c.3721G>A, p.Glu1241Lys (NM_201379.3); c.4198G>A, p.Glu1400Lys (NM_201380.4); c.3691G>A, p.Glu1231Lys (NM_201381.3); c.3787G>A, p.Glu1263Lys (NM_201382.4); c.3799G>A, p.Glu1267Lys (NM_201383.3); short protein forms E1231K, E1241K, E1249K, E1263K, E1267K, E1290K, E1400K.
Identifiers: ClinVar variation 448062 (VCV000448062.17), dbSNP rs377125427, ClinGen allele CA4926928.

ClinVar aggregate classification (germline): Conflicting classifications of pathogenicity. Review status: criteria provided, conflicting classifications (1 of 4 stars). 7 submissions from 7 submitters: Uncertain significance (1); Likely benign (5). 1 of the submissions does not count toward it. Last evaluated 2026-01-13.

Conditions:
PLEC-related disorder. Also called: PLEC-related condition; PLEC-related disorders.
Epidermolysis bullosa simplex, Ogna type (EBS5A). Also called: Pidermolysis bullosa simplex 5A, Ogna type; EPIDERMOLYSIS BULLOSA SIMPLEX 5A, OGNA TYPE. Identifiers: Orphanet 79401, MedGen C0432317, MONDO:0007555, OMIM 131950.
Epidermolysis bullosa simplex with nail dystrophy (EBS5D). Identifiers: MedGen C4225309, MONDO:0014661, OMIM 616487.
Epidermolysis bullosa simplex 5B, with muscular dystrophy (EBS5B). Also called: Epidermolysis bullosa simplex with muscular dystrophy; EPIDERMOLYSIS BULLOSA SIMPLEX AND LIMB-GIRDLE MUSCULAR DYSTROPHY. Identifiers: Orphanet 257, MedGen C2931072, MONDO:0009181, OMIM 226670.
Epidermolysis bullosa simplex 5C, with pyloric atresia (EBS5C). Also called: PLEC-Related Epidermolysis Bullosa with Pyloric Atresia; Epidermolysis bullosa simplex with pyloric atresia; PLEC1-Related Epidermolysis Bullosa with Pyloric Atresia. Identifiers: Orphanet 158684, MedGen C2677349, MONDO:0012807, OMIM 612138.
Autosomal recessive limb-girdle muscular dystrophy type 2Q (LGMDR17). Also called: MUSCULAR DYSTROPHY, LIMB-GIRDLE, AUTOSOMAL RECESSIVE 17. Identifiers: Orphanet 254361, MedGen C3150989, MONDO:0013390, OMIM 613723.

Allele frequency attached by ClinVar (database versions not stated): gnomAD 0.00002 and 0.00015; TOPMed 0.00003; gnomAD exomes 0.00047; ExAC 0.00057; 1000 Genomes Project 30x 0.00078; 1000 Genomes Project 0.00080.
gnomAD v4.1: 359 of 1,613,262 alleles (0.022%); highest among the groups gnomAD compares: South Asian, 0.34%; 6 homozygotes.

Submissions (7):

Women's Health and Genetics/Laboratory Corporation of America, LabCorp
Classification: Likely benign. Last evaluated: 2026-01-13. Review status: criteria provided, single submitter. Criteria: LabCorp Variant Classification Summary - May 2015. Collection method: clinical testing. Allele origin: germline.
Comment: Variant summary: PLEC c.3868G>A (p.Glu1290Lys) results in a conservative amino acid change in the encoded protein sequence. Algorithms developed to predict the effect of missense changes on protein structure and function are either unavailable or do not agree on the potential impact of this missense change. The variant allele was found at a frequency of 0.00047 in 244558 control chromosomes, predominantly at a frequency of 0.0037 within the South Asian subpopulation in the gnomAD v2 database, including 2 homozygotes. This frequency is not significantly higher than estimated for disease-causing variants in PLEC, allowing no conclusion about variant significance. A total of 6 homozygotes of this variang was found in the gnomAD v4 database. To our knowledge, no occurrence of c.3868G>A in individuals affected with PLEC-related conditions and no experimental evidence demonstrating its impact on protein function have been reported. ClinVar contains an entry for this variant (Variation ID: 448062). Based on the evidence outlined above, the variant was classified as likely benign.

Labcorp Genetics (formerly Invitae), Labcorp
Classification: Likely benign for Autosomal recessive limb-girdle muscular dystrophy type 2Q; Epidermolysis bullosa simplex, Ogna type; Epidermolysis bullosa simplex with nail dystrophy; Epidermolysis bullosa simplex 5C, with pyloric atresia; Epidermolysis bullosa simplex 5B, with muscular dystrophy. Last evaluated: 2025-12-21. Review status: criteria provided, single submitter. Criteria: Invitae Variant Classification Sherloc (09022015). Collection method: clinical testing. Allele origin: germline.

Revvity Omics, Revvity
Classification: Likely benign. Last evaluated: 2024-05-20. Review status: criteria provided, single submitter. Criteria: ACMG Guidelines, 2015. Collection method: clinical testing. Allele origin: germline.

Blueprint Genetics
Classification: Likely benign. Last evaluated: 2024-03-18. Review status: criteria provided, single submitter. Criteria: ACMG Guidelines, 2015. Collection method: clinical testing. Allele origin: germline.

GeneDx
Classification: Likely benign. Last evaluated: 2019-05-14. Review status: criteria provided, single submitter. Criteria: GeneDx Variant Classification Process June 2021. Collection method: clinical testing. Allele origin: germline. Affected: yes.

Athena Diagnostics
Classification: Uncertain significance. Last evaluated: 2017-04-14. Review status: criteria provided, single submitter. Criteria: Athena Diagnostics Criteria. Collection method: clinical testing. Allele origin: germline.

PreventionGenetics, part of Exact Sciences
Classification: Likely benign for PLEC-related condition. Last evaluated: 2021-11-23. Review status: no assertion criteria provided. Collection method: clinical testing. Allele origin: germline. Not counted in ClinVar's aggregate classification.
Comment: This variant is classified as likely benign based on ACMG/AMP sequence variant interpretation guidelines (Richards et al. 2015 PMID: 25741868, with internal and published modifications).